The following is an entry in ClinVar:

ClinVar aggregate classification (germline): Pathogenic (1 of 4 stars; one submission).

Submission:

Labcorp Genetics (formerly Invitae), Labcorp
Classification: Pathogenic. Last evaluated: 2024-01-10. Review status: criteria provided, single submitter. Criteria: Invitae Variant Classification Sherloc (09022015). Collection method: clinical testing. Allele origin: germline.
Comment: This sequence change creates a premature translational stop signal (p.Tyr401*) in the TBCK gene. It is expected to result in an absent or disrupted protein product. Loss-of-function variants in TBCK are known to be pathogenic (PMID: 27040692, 30103036). This variant is not present in population databases (gnomAD no frequency). This variant has not been reported in the literature in individuals affected with TBCK-related conditions. Algorithms developed to predict the effect of sequence changes on RNA splicing suggest that this variant may disrupt the consensus splice site. For these reasons, this variant has been classified as Pathogenic.

Literature cited by the submitters: PubMed 27040692; PubMed 30103036.

NM_001163435.3(TBCK):c.1203C>A (p.Tyr401Ter)

Gene: TBCK (TBC1 domain containing kinase; minus strand). Cytogenetic location: 4q24.
Variant type: single nucleotide variant.
Coding change: c.1203C>A on transcript NM_001163435.3 (MANE Select); coding-DNA position 1203, C replaced by A.
Protein change: p.Tyr401Ter; replaces tyrosine 401 with a stop codon.
Molecular consequence: nonsense.
Genome position (GRCh38, 1-based): chr4:106,236,776, G>T on the plus strand (C>A on the coding strand, the complement: TBCK is on the minus strand). VCF-style: chr4-106236776-G-T. GRCh37 (hg19) VCF-style: chr4-107157933-G-T.
Other names: c.1203C>A, p.Tyr401Ter (NM_001163436.4); c.1086C>A, p.Tyr362Ter (NM_001163437.3); c.687C>A, p.Tyr229Ter (NM_001290768.2); c.1014C>A, p.Tyr338Ter (NM_033115.5); short protein forms Y229*, Y401*, Y338*, Y362*.
Identifiers: ClinVar variation 2708673 (VCV002708673.3), dbSNP rs2477893988, ClinGen allele CA357823449.
Genomic context (GRCh38, chr4:106,236,776, plus strand): 5'-ATAGAAAGAAAAATAAATCTAAAATGAGACTACATATACTCACTCATCTTCAAGTAATGG[G>T]TAAAATGCTTCTCCACCAACATCTTTCAATCTCTGTGTATTTAAAGACAAAATATTTATG-3'